The following is an entry in ClinVar:

NM_024334.3(TMEM43):c.856C>T (p.Leu286=)

Gene: TMEM43 (transmembrane protein 43; plus strand). Cytogenetic location: 3p25.1.
Variant type: single nucleotide variant.
Coding change: c.856C>T on transcript NM_024334.3 (MANE Select); coding-DNA position 856, C replaced by T.
Protein change: p.Leu286=; no amino-acid change (leucine 286 retained).
Molecular consequence: synonymous variant.
Genome position (GRCh38, 1-based): chr3:14,135,882, C>T. VCF-style: chr3-14135882-C-T. GRCh37 (hg19) VCF-style: chr3-14177382-C-T.
Other names: c.859C>T, p.Leu287= (NM_001407274.1); c.853C>T, p.Leu285= (NM_001407275.1, NM_001407277.1); c.856C>T, p.Leu286= (NM_001407276.1); c.841C>T, p.Leu281= (NM_001407278.1); c.781C>T, p.Leu261= (NM_001407279.1); c.706C>T, p.Leu236= (NM_001407280.1).
Identifiers: ClinVar variation 3386085 (VCV003386085.1).

ClinVar aggregate classification (germline): Likely benign (1 of 4 stars; one submission).

Conditions:
Arrhythmogenic right ventricular dysplasia 5. Also called: Arrhythmogenic Right Ventricular Dysplasia/Cardiomyopathy 5; ARRHYTHMOGENIC RIGHT VENTRICULAR DYSPLASIA, FAMILIAL, 5. Identifiers: MedGen C1858379, MONDO:0011459, OMIM 604400.

Submission:

All of Us Research Program, National Institutes of Health
Classification: Likely benign for Arrhythmogenic right ventricular dysplasia 5. Last evaluated: 2024-05-14. Review status: criteria provided, single submitter. Criteria: ACMG Guidelines, 2015. Collection method: clinical testing. Allele origin: germline. Inheritance: Autosomal dominant inheritance. Observed: 1 variant allele, 1 heterozygote.
Comment: This study involves interpretation of variants in research participants for the purpose of population health screening. Participant phenotype was not available at the time of variant classification. Additional details can be found in publication PMID: 35346344, PMCID: PMC8962531